The following is an entry in ClinVar:

ClinVar aggregate classification (germline): Uncertain significance (1 of 4 stars; one submission).

Conditions:
Lethal fetal cerebrorenogenitourinary agenesis/hypoplasia syndrome. Also called: Meckel syndrome 12. Identifiers: Orphanet 439897, MedGen C4015701, MONDO:0014552, OMIM 616258.

Submission:

Foundation for Research in Genetics and Endocrinology, FRIGE's Institute of Human Genetics
Classification: Uncertain significance for Lethal fetal cerebrorenogenitourinary agenesis/hypoplasia syndrome. Last evaluated: 2023-08-31. Review status: criteria provided, single submitter. Criteria: ACMG Guidelines, 2015. Collection method: clinical testing. Allele origin: germline. Inheritance: Autosomal recessive inheritance. Affected: yes. Observed: 1 heterozygote.
Comment: A heterozygous missense variant in exon 3 of the KIF14 gene that results in the amino acid substitution of Asparagine for Tyrosine at codon 424 (p.Tyr424Asn) was detected. The variant has not been reported in the 1000 genomes, gnomAD (v3.1), gnomdAD (v2.1) and topmed databases. The in-silico predictions of the variant are probably damaging by PolyPhen-2 (HumDiv) and damaging by SIFT and LRT and MutationTaster2. The reference codon is conserved across species. In summary, the variant meets our criteria to be classified as variant of uncertain significance.

NM_014875.3(KIF14):c.1270T>A (p.Tyr424Asn)

Gene: KIF14 (kinesin family member 14; minus strand). Cytogenetic location: 1q32.1.
Variant type: single nucleotide variant.
Coding change: c.1270T>A on transcript NM_014875.3 (MANE Select); coding-DNA position 1270, T replaced by A.
Protein change: p.Tyr424Asn; replaces tyrosine 424 with asparagine.
Molecular consequence: missense variant. On other transcripts: 5 prime UTR variant (1).
Genome position (GRCh38, 1-based): chr1:200,615,452, A>T on the plus strand (T>A on the coding strand, the complement: KIF14 is on the minus strand). VCF-style: chr1-200615452-A-T. GRCh37 (hg19) VCF-style: chr1-200584580-A-T.
Other names: p.Tyr424Asn; c.-116T>A (NM_001305792.1); short protein forms Y424N.
Identifiers: ClinVar variation 2582301 (VCV002582301.2), dbSNP rs1466851404, ClinGen allele CA344106519.